The following is an entry in ClinVar:

ClinVar aggregate classification (germline): Uncertain significance. Review status: criteria provided, multiple submitters, no conflicts (2 of 4 stars). 2 submissions from 2 submitters: Uncertain significance (2). Last evaluated 2024-09-10.

Submissions (2):

Revvity Omics, Revvity
Classification: Uncertain significance. Last evaluated: 2024-09-10. Review status: criteria provided, single submitter. Criteria: ACMG Guidelines, 2015. Collection method: clinical testing. Allele origin: germline.

Labcorp Genetics (formerly Invitae), Labcorp
Classification: Uncertain significance. Last evaluated: 2019-03-21. Review status: criteria provided, single submitter. Criteria: Invitae Variant Classification Sherloc (09022015). Collection method: clinical testing. Allele origin: germline.
Comment: In summary, the available evidence is currently insufficient to determine the role of this variant in disease. Therefore, it has been classified as a Variant of Uncertain Significance. Algorithms developed to predict the effect of missense changes on protein structure and function (SIFT, PolyPhen-2, Align-GVGD) all suggest that this variant is likely to be tolerated, but these predictions have not been confirmed by published functional studies and their clinical significance is uncertain. This variant has not been reported in the literature in individuals with POLE-related conditions. This variant is not present in population databases (ExAC no frequency). This sequence change replaces glycine with aspartic acid at codon 1773 of the POLE protein (p.Gly1773Asp). The glycine residue is weakly conserved and there is a moderate physicochemical difference between glycine and aspartic acid.

NM_006231.4(POLE):c.5318G>A (p.Gly1773Asp)

Gene: POLE (DNA polymerase epsilon, catalytic subunit; minus strand). Cytogenetic location: 12q24.33.
Variant type: single nucleotide variant.
Coding change: c.5318G>A on transcript NM_006231.4 (MANE Select); coding-DNA position 5318, G replaced by A.
Protein change: p.Gly1773Asp; replaces glycine 1773 with aspartic acid.
Molecular consequence: missense variant.
Genome position (GRCh38, 1-based): chr12:132,641,707, C>T on the plus strand (G>A on the coding strand, the complement: POLE is on the minus strand). VCF-style: chr12-132641707-C-T. GRCh37 (hg19) VCF-style: chr12-133218293-C-T.
Other names: short protein forms G1773D.
Identifiers: ClinVar variation 836241 (VCV000836241.10), dbSNP rs2042146270, ClinGen allele CA387375956.